The following is an entry in ClinVar:

NM_000059.4(BRCA2):c.2348T>C (p.Val783Ala)

Gene: BRCA2 (BRCA2 DNA repair associated; plus strand). Cytogenetic location: 13q13.1.
Variant type: single nucleotide variant.
Coding change: c.2348T>C on transcript NM_000059.4 (MANE Select); coding-DNA position 2348, T replaced by C.
Protein change: p.Val783Ala; replaces valine 783 with alanine.
Molecular consequence: missense variant.
Genome position (GRCh38, 1-based): chr13:32,336,703, T>C. VCF-style: chr13-32336703-T-C. GRCh37 (hg19) VCF-style: chr13-32910840-T-C.
Other names: short protein forms V783A.
Identifiers: ClinVar variation 479273 (VCV000479273.26), dbSNP rs768143929, ClinGen allele CA6940597.

ClinVar aggregate classification (germline): Conflicting classifications of pathogenicity. Review status: criteria provided, conflicting classifications (1 of 4 stars). 6 submissions from 6 submitters: Uncertain significance (4); Likely benign (2). Last evaluated 2026-01-10.

Conditions:
Hereditary cancer-predisposing syndrome. Also called: Tumor predisposition; Neoplastic Syndromes, Hereditary; Hereditary Cancer Syndrome; Hereditary neoplastic syndrome. Identifiers: Orphanet 140162, MedGen C0027672, MeSH D009386, MONDO:0015356.
Hereditary breast ovarian cancer syndrome. Also called: Hereditary breast and ovarian cancer; Breast and ovarian cancer; Hereditary breast and/or ovarian cancer syndrome; Hereditary breast and ovarian cancer syndrome (HBOC); BRCA1- and BRCA2-Associated Hereditary Breast and Ovarian Cancer; Hereditary breast and ovarian cancer syndrome. Identifiers: Orphanet 145, MedGen C0677776, MeSH D061325, MONDO:0003582. Disease mechanism: loss of function.
Breast-ovarian cancer, familial, susceptibility to, 2 (BROVCA2). Also called: BRCA2 Hereditary Breast and Ovarian Cancer. Identifiers: Orphanet 145, MedGen C2675520, MONDO:0012933, OMIM 612555. Disease mechanism: loss of function.

Allele frequency attached by ClinVar (database versions not stated): ExAC 0.00002; TOPMed 0.00002.
gnomAD v4.1: 2 of 1,613,966 alleles (0.00012%); highest among the groups gnomAD compares: East Asian, 0.0045%; no homozygotes.

Submissions (6):

Labcorp Genetics (formerly Invitae), Labcorp
Classification: Likely benign for Hereditary breast ovarian cancer syndrome. Last evaluated: 2026-01-10. Review status: criteria provided, single submitter. Criteria: Invitae Variant Classification Sherloc (09022015). Collection method: clinical testing. Allele origin: germline.

Color Diagnostics, LLC DBA Color Health
Classification: Uncertain significance for Hereditary cancer-predisposing syndrome. Last evaluated: 2025-12-09. Review status: criteria provided, single submitter. Criteria: ACMG Guidelines, 2015. Collection method: clinical testing. Allele origin: germline.
Comment: This missense variant replaces valine with alanine at codon 783 of the BRCA2 protein. Computational prediction suggests that this variant may not impact protein structure and function. To our knowledge, functional studies have not been reported for this variant. This variant has been detected in a breast cancer case-control meta-analysis in 2/53461 unaffected individuals and absent in 60466 cases (PMID: 33471991LOVD DB-ID BRCA2_007939). A multifactorial analysis reached a combined likelihood ratio (LR) of 0.057 based on breast cancer case-control data for fewer than 5 carriers and the personal and family history for 1 carrier (PMID: 31853058, 40413188). This variant has been identified in 2/1613966 chromosomes in the general population by the Genome Aggregation Database (gnomAD). Although there is a suspicion that this variant may not be associated with disease, additional studies are necessary to determine the role of this variant in disease conclusively. Therefore, this variant is classified as a Variant of Uncertain Significance.

Ambry Genetics
Classification: Uncertain significance for Hereditary cancer-predisposing syndrome. Last evaluated: 2025-03-19. Review status: criteria provided, single submitter. Criteria: Ambry Variant Classification Scheme 2023. Collection method: clinical testing. Allele origin: germline.
Comment: The p.V783A variant (also known as c.2348T>C), located in coding exon 10 of the BRCA2 gene, results from a T to C substitution at nucleotide position 2348. The valine at codon 783 is replaced by alanine, an amino acid with similar properties. This variant was detected in the germline of patient with Sertoli-Leydig cell tumor and called a variant of unknown significance; however, this patient was also found to have a pathogenic germline mutation in the DICER1 gene (Cowan M et al. Gynecol Oncol Rep, 2018 Aug;25:94-97). This amino acid position is not well conserved in available vertebrate species. In addition, this alteration is predicted to be tolerated by in silico analysis. Since supporting evidence is limited at this time, the clinical significance of this alteration remains unclear.

GeneDx
Classification: Uncertain significance. Last evaluated: 2024-03-20. Review status: criteria provided, single submitter. Criteria: GeneDx Variant Classification Process June 2021. Collection method: clinical testing. Allele origin: germline. Affected: yes.
Comment: Observed in an individual with embryonal rhabdomyosarcoma (PMID: 30014022); Not observed at significant frequency in large population cohorts (gnomAD); In silico analysis supports that this missense variant does not alter protein structure/function; Also known as 2576T>C; This variant is associated with the following publications: (PMID: 30014022)

All of Us Research Program, National Institutes of Health
Classification: Uncertain significance for Breast-ovarian cancer, familial, susceptibility to, 2. Last evaluated: 2023-03-23. Review status: criteria provided, single submitter. Criteria: ACMG Guidelines, 2015. Collection method: clinical testing. Allele origin: germline. Inheritance: Autosomal dominant inheritance. Observed: 1 variant allele, 1 heterozygote.
Comment: This missense variant replaces valine with alanine at codon 783 of the BRCA2 protein. Computational prediction suggests that this variant may not impact protein structure and function (internally defined REVEL score threshold <= 0.5, PMID: 27666373). To our knowledge, functional studies have not been reported for this variant. This variant has not been reported in individuals affected with hereditary cancer in the literature and has been reported in 2 unaffected individuals (PMID: 33471991; Leiden Open Variation Database DB-ID BRCA2_007939). This variant has been identified in 2/250824 chromosomes in the general population by the Genome Aggregation Database (gnomAD). The available evidence is insufficient to determine the role of this variant in disease conclusively. Therefore, this variant is classified as a Variant of Uncertain Significance.

This study involves interpretation of variants in research participants for the purpose of population health screening. Participant phenotype was not available at the time of variant classification. Additional details can be found in publication PMID: 35346344, PMCID: PMC8962531

University of Washington Department of Laboratory Medicine, University of Washington
Classification: Likely benign for Hereditary cancer-predisposing syndrome. Last evaluated: 2023-03-23. Review status: criteria provided, single submitter. Criteria: Dines et al. (Genet Med. 2020). Collection method: curation. Allele origin: germline.
Comment: Missense variant in a coldspot region where missense variants are very unlikely to be pathogenic (PMID:31911673).

BRCA2 exon 11 coldspot. Reclassification based on statistical prior probability.

Literature cited by the submitters: PubMed 31853058 (cited by Color Diagnostics, LLC DBA Color Health); PubMed 33471991 (cited by Color Diagnostics, LLC DBA Color Health and All of Us Research Program, National Institutes of Health); PubMed 40413188 (cited by Color Diagnostics, LLC DBA Color Health); PubMed 30014022 (cited by Ambry Genetics).